The following is an entry in ClinVar:

ClinVar aggregate classification (germline): Uncertain significance. Review status: criteria provided, multiple submitters, no conflicts (2 of 4 stars). 5 submissions from 5 submitters: Uncertain significance (3). 2 of the submissions do not count toward it. Last evaluated 2026-01-12.

Conditions:
Autosomal recessive limb-girdle muscular dystrophy type 2J (LGMDR10). Also called: Limb-girdle muscular dystrophy, type 2J; MUSCULAR DYSTROPHY, LIMB-GIRDLE, AUTOSOMAL RECESSIVE 10. Identifiers: Orphanet 140922, MedGen C1837342, MONDO:0012127, OMIM 608807.
Hypertrophic cardiomyopathy 9. Also called: Familial hypertrophic cardiomyopathy 9. Identifiers: MedGen C1861065, MONDO:0013412, OMIM 613765.
Early-onset myopathy with fatal cardiomyopathy (CMYO5). Also called: CONGENITAL MYOPATHY 5 WITH CARDIOMYOPATHY; Salih Myopathy. Identifiers: Orphanet 289377, MedGen C2673677, MONDO:0012714, OMIM 611705. Disease mechanism: loss of function.
Dilated cardiomyopathy 1G (CMD1G). Identifiers: Orphanet 154, MedGen C1858763, MONDO:0011400, OMIM 604145.
Myopathy, myofibrillar, 9, with early respiratory failure (MFM9). Also called: Hereditary myopathy with early respiratory failure; EDSTROM MYOPATHY; MYOPATHY, PROXIMAL, WITH EARLY RESPIRATORY MUSCLE INVOLVEMENT; Myopathy, distal, with early respiratory failure, autosomal dominant. Identifiers: Orphanet 178464, Orphanet 34521, MedGen C1863599, MONDO:0011362, OMIM 603689.
Tibial muscular dystrophy (TMD). Also called: Udd Distal Myopathy – Tibial Muscular Dystrophy; UDD MYOPATHY; Tibial muscular dystrophy, tardive. Identifiers: Orphanet 609, MedGen C1838244, MONDO:0010870, OMIM 600334.

Allele frequency attached by ClinVar (database versions not stated): gnomAD exomes below 0.00001 and 0.00001; ExAC 0.00001; TOPMed 0.00001.

Submissions (5):

Women's Health and Genetics/Laboratory Corporation of America, LabCorp
Classification: Uncertain significance. Last evaluated: 2026-01-12. Review status: criteria provided, single submitter. Criteria: LabCorp Variant Classification Summary - May 2015. Collection method: clinical testing. Allele origin: germline.

GeneDx
Classification: Uncertain significance. Last evaluated: 2025-05-14. Review status: criteria provided, single submitter. Criteria: GeneDx Variant Classification Process June 2021. Collection method: clinical testing. Allele origin: germline. Affected: yes.
Comment: Not observed at significant frequency in large population cohorts (gnomAD); Missense variant in a gene in which most reported pathogenic variants are truncating/loss of function; Has not been previously published as pathogenic or benign to our knowledge

Fulgent Genetics
Classification: Uncertain significance for Tibial muscular dystrophy; Myopathy, myofibrillar, 9, with early respiratory failure; Dilated cardiomyopathy 1G; Autosomal recessive limb-girdle muscular dystrophy type 2J; Early-onset myopathy with fatal cardiomyopathy; Hypertrophic cardiomyopathy 9. Last evaluated: 2021-08-23. Review status: criteria provided, single submitter. Criteria: ACMG Guidelines, 2015. Collection method: clinical testing. Allele origin: unknown.

Clinical Genetics DNA and cytogenetics Diagnostics Lab, Erasmus MC, Erasmus Medical Center
Classification: Uncertain significance. Review status: no assertion criteria provided. Collection method: clinical testing. Allele origin: germline. Affected: yes. Study: VKGL Data-share Consensus. Not counted in ClinVar's aggregate classification.

Joint Genome Diagnostic Labs from Nijmegen and Maastricht, Radboudumc and MUMC+
Classification: Uncertain significance. Review status: no assertion criteria provided. Collection method: clinical testing. Allele origin: germline. Affected: yes. Study: VKGL Data-share Consensus. Not counted in ClinVar's aggregate classification.

NM_001267550.2(TTN):c.7208T>C (p.Ile2403Thr)

Genes: TTN (titin; minus strand), LOC126806433 (BRD4-independent group 4 enhancer GRCh37_chr2:179638309-179639508; plus strand). Cytogenetic location: 2q31.2.
Variant type: single nucleotide variant.
Coding change: c.7208T>C on transcript NM_001267550.2 (MANE Select); coding-DNA position 7208, T replaced by C.
Protein change: p.Ile2403Thr; replaces isoleucine 2403 with threonine.
Molecular consequence: missense variant.
Genome position (GRCh38, 1-based): chr2:178,773,960, A>G on the plus strand (T>C on the coding strand, the complement: TTN is on the minus strand). VCF-style: chr2-178773960-A-G. GRCh37 (hg19) VCF-style: chr2-179638687-A-G.
Other names: c.7208T>C, p.Ile2403Thr (NM_001256850.1, NM_133378.4, NM_133379.5); c.7070T>C, p.Ile2357Thr (NM_003319.4, NM_133432.3, NM_133437.4); c.7208T>C (NM_001267550.1); short protein forms I2357T, I2403T.
Identifiers: ClinVar variation 1297652 (VCV001297652.6), dbSNP rs760895168, ClinGen allele CA2004872.